The following is an entry in ClinVar:

NM_002497.4(NEK2):c.1330A>G (p.Met444Val)

Gene: NEK2 (NIMA related kinase 2; minus strand). Cytogenetic location: 1q32.3.
Variant type: single nucleotide variant.
Coding change: c.1330A>G on transcript NM_002497.4 (MANE Select); coding-DNA position 1330, A replaced by G.
Protein change: p.Met444Val; replaces methionine 444 with valine.
Molecular consequence: missense variant. On other transcripts: intron variant (1).
Genome position (GRCh38, 1-based): chr1:211,663,434, T>C on the plus strand (A>G on the coding strand, the complement: NEK2 is on the minus strand). VCF-style: chr1-211663434-T-C. GRCh37 (hg19) VCF-style: chr1-211836776-T-C.
Other names: c.1111+3672A>G (NM_001204182.2); short protein forms M444V.
Identifiers: ClinVar variation 3661360 (VCV003661360.2).

ClinVar aggregate classification (germline): Uncertain significance (1 of 4 stars; one submission).

gnomAD v4.1: 3 of 1,612,006 alleles (0.00019%); highest among the groups gnomAD compares: South Asian, 0.0011%; no homozygotes.

Submission:

Labcorp Genetics (formerly Invitae), Labcorp
Classification: Uncertain significance. Last evaluated: 2024-08-20. Review status: criteria provided, single submitter. Criteria: Invitae Variant Classification Sherloc (09022015). Collection method: clinical testing. Allele origin: germline.
Comment: This sequence change replaces methionine, which is neutral and non-polar, with valine, which is neutral and non-polar, at codon 444 of the NEK2 protein (p.Met444Val). The frequency data for this variant in the population databases is considered unreliable, as metrics indicate poor data quality at this position in the gnomAD database. This variant has not been reported in the literature in individuals affected with NEK2-related conditions. An algorithm developed to predict the effect of missense changes on protein structure and function (PolyPhen-2) suggests that this variant is likely to be tolerated. In summary, the available evidence is currently insufficient to determine the role of this variant in disease. Therefore, it has been classified as a Variant of Uncertain Significance.